The following is an entry in ClinVar:

ClinVar aggregate classification (germline): Conflicting classifications of pathogenicity. Review status: criteria provided, conflicting classifications (1 of 4 stars). 2 submissions from 2 submitters: Uncertain significance (1); Benign (1). Last evaluated 2026-09-15.

Conditions:
ARID1B-Related Disorder. Identifiers: MedGen CN381337.

gnomAD v4.1: 2 of 1,529,572 alleles (0.00013%); highest among the groups gnomAD compares: Non-Finnish European, 0.00017%; no homozygotes.

Submissions (2):

PreventionGenetics, part of Exact Sciences
Classification: Uncertain significance for ARID1B-related condition. Last evaluated: 2026-09-15. Review status: criteria provided, single submitter. Criteria: ACMG Guidelines, 2015. Collection method: clinical testing. Allele origin: germline.
Comment: The ARID1B c.26C>T variant is predicted to result in the amino acid substitution p.Ala9Val. To our knowledge, this variant has not been reported in the literature or in a large population database (gnomAD), indicating this variant is rare. At this time, the clinical significance of this variant is uncertain due to the absence of conclusive functional and genetic evidence.

Labcorp Genetics (formerly Invitae), Labcorp
Classification: Benign. Last evaluated: 2024-01-08. Review status: criteria provided, single submitter. Criteria: Invitae Variant Classification Sherloc (09022015). Collection method: clinical testing. Allele origin: germline.

NM_001374828.1(ARID1B):c.275C>T (p.Ala92Val)

Genes: ARID1B (AT-rich interaction domain 1B; plus strand), LOC115308161 (uncharacterized LOC115308161; minus strand), LOC129997523 (ATAC-STARR-seq lymphoblastoid silent region 17710; plus strand). Cytogenetic location: 6q25.3.
Variant type: single nucleotide variant.
Coding change: c.275C>T on transcript NM_001374828.1 (MANE Select); coding-DNA position 275, C replaced by T.
Protein change: p.Ala92Val; replaces alanine 92 with valine.
Molecular consequence: missense variant.
Genome position (GRCh38, 1-based): chr6:156,777,955, C>T. VCF-style: chr6-156777955-C-T. GRCh37 (hg19) VCF-style: chr6-157099089-C-T.
Other names: c.26C>T, p.Ala9Val (NM_001346813.1, NM_020732.3); c.275C>T, p.Ala92Val (NM_001371656.1, NM_001374820.1, NM_017519.3); c.-149C>T (NM_175863.2); short protein forms A92V, A9V.
Identifiers: ClinVar variation 2920581 (VCV002920581.4), dbSNP rs867240049, ClinGen allele CA366380931.